The following is an entry in ClinVar:

NM_001171155.2(PET100):c.1A>T (p.Met1Leu)

Genes: PET100 (PET100 cytochrome c oxidase chaperone; plus strand), STXBP2 (syntaxin binding protein 2; plus strand). Cytogenetic location: 19p13.2.
Variant type: single nucleotide variant.
Coding change: c.1A>T on transcript NM_001171155.2 (MANE Select); coding-DNA position 1, A replaced by T.
Protein change: p.Met1Leu; changes the start codon (methionine 1).
Molecular consequence: missense variant, initiator codon variant. On other transcripts: non-coding transcript variant (1).
Genome position (GRCh38, 1-based): chr19:7,629,834, A>T. VCF-style: chr19-7629834-A-T. GRCh37 (hg19) VCF-style: chr19-7694720-A-T.
Other names: short protein forms M1L.
Identifiers: ClinVar variation 1458646 (VCV001458646.7), dbSNP rs977392512, ClinGen allele CA403153477.

ClinVar aggregate classification (germline): Pathogenic (1 of 4 stars; one submission).

Submission:

Labcorp Genetics (formerly Invitae), Labcorp
Classification: Pathogenic. Last evaluated: 2021-11-23. Review status: criteria provided, single submitter. Criteria: Invitae Variant Classification Sherloc (09022015). Collection method: clinical testing. Allele origin: germline.
Comment: For these reasons, this variant has been classified as Pathogenic. Disruption of the initiator codon has been observed in individuals with PET100-related conditions (PMID: 24462369, 31406627, 32313153). This variant is not present in population databases (gnomAD no frequency). This sequence change affects the initiator methionine of the PET100 mRNA. The next in-frame methionine is located at codon 10.

Literature cited by the submitters: PubMed 24462369; PubMed 31406627; PubMed 32313153.